The following is an entry in ClinVar:

ClinVar aggregate classification (germline): Uncertain significance. Review status: criteria provided, multiple submitters, no conflicts (2 of 4 stars). 2 submissions from 2 submitters: Uncertain significance (2). Last evaluated 2025-04-22.

Conditions:
Hereditary pancreatitis (PCTT). Also called: PRSS1-Related Hereditary Pancreatitis; Hereditary chronic pancreatitis. Identifiers: Orphanet 676, MedGen C0238339, MONDO:0008185, OMIM 167800.

Submissions (2):

Labcorp Genetics (formerly Invitae), Labcorp
Classification: Uncertain significance. Last evaluated: 2025-04-22. Review status: criteria provided, single submitter. Criteria: Invitae Variant Classification Sherloc (09022015). Collection method: clinical testing. Allele origin: germline.
Comment: This sequence change replaces threonine, which is neutral and polar, with alanine, which is neutral and non-polar, at codon 320 of the CPA1 protein (p.Thr320Ala). This variant is not present in population databases (gnomAD no frequency). This variant has not been reported in the literature in individuals affected with CPA1-related conditions. ClinVar contains an entry for this variant (Variation ID: 1767463). Invitae Evidence Modeling of protein sequence and biophysical properties (such as structural, functional, and spatial information, amino acid conservation, physicochemical variation, residue mobility, and thermodynamic stability) indicates that this missense variant is not expected to disrupt CPA1 protein function with a negative predictive value of 80%. In summary, the available evidence is currently insufficient to determine the role of this variant in disease. Therefore, it has been classified as a Variant of Uncertain Significance.

Ambry Genetics
Classification: Uncertain significance for Hereditary pancreatitis. Last evaluated: 2024-08-22. Review status: criteria provided, single submitter. Criteria: Ambry Variant Classification Scheme 2023. Collection method: clinical testing. Allele origin: germline.
Comment: The p.T320A variant (also known as c.958A>G), located in coding exon 8 of the CPA1 gene, results from an A to G substitution at nucleotide position 958. The threonine at codon 320 is replaced by alanine, an amino acid with similar properties. This amino acid position is conserved. In addition, this alteration is predicted to be tolerated by in silico analysis. Since supporting evidence is limited at this time, the clinical significance of this alteration remains unclear.

NM_001868.4(CPA1):c.958A>G (p.Thr320Ala)

Gene: CPA1 (carboxypeptidase A1; plus strand). Cytogenetic location: 7q32.2.
Variant type: single nucleotide variant.
Coding change: c.958A>G on transcript NM_001868.4 (MANE Select); coding-DNA position 958, A replaced by G.
Protein change: p.Thr320Ala; replaces threonine 320 with alanine.
Molecular consequence: missense variant.
Genome position (GRCh38, 1-based): chr7:130,385,316, A>G. VCF-style: chr7-130385316-A-G. GRCh37 (hg19) VCF-style: chr7-130025157-A-G.
Other names: short protein forms T320A.
Identifiers: ClinVar variation 1767463 (VCV001767463.4), dbSNP rs2536012418, ClinGen allele CA369283894.
Genomic context (GRCh38, chr7:130,385,316, plus strand): 5'-AAGGCCTTCATCTCCATCCACAGCTACTCCCAGCTCCTCATGTATCCCTATGGCTACAAA[A>G]CAGAACCAGTCCCTGACCAGGATGAGCTGGTAGGCACTGACCTCGGCTTGCCCCCTCGTC-3'
Protein context (NP_001859.1, residues 310-330): QLLMYPYGYK[Thr320Ala]EPVPDQDELD